The following is an entry in ClinVar:

ClinVar aggregate classification (germline): Uncertain significance (1 of 4 stars; one submission).

Allele frequency attached by ClinVar (database versions not stated): gnomAD exomes below 0.00001.
gnomAD v4.1: 5 of 1,551,702 alleles (0.00032%); highest among the groups gnomAD compares: East Asian, 0.0024%; no homozygotes.

Submission:

Women's Health and Genetics/Laboratory Corporation of America, LabCorp
Classification: Uncertain significance. Last evaluated: 2023-09-26. Review status: criteria provided, single submitter. Criteria: LabCorp Variant Classification Summary - May 2015. Collection method: clinical testing. Allele origin: germline.
Comment: Variant summary: CLCN7 c.2215G>A (p.Glu739Lys) results in a conservative amino acid change located in the CBS domain (IPR000644) of the encoded protein sequence. Three of five in-silico tools predict a benign effect of the variant on protein function. The variant allele was found at a frequency of 6.3e-06 in 158404 control chromosomes (gnomAD). The available data on variant occurrences in the general population are insufficient to allow any conclusion about variant significance. To our knowledge, no occurrence of c.2215G>A in individuals affected with Hypopigmentation, Organomegaly, And Delayed Myelination And Development and no experimental evidence demonstrating its impact on protein function have been reported. No submitters have cited clinical-significance assessments for this variant to ClinVar after 2014. Based on the evidence outlined above, the variant was classified as uncertain significance.

NM_001287.6(CLCN7):c.2215G>A (p.Glu739Lys)

Gene: CLCN7 (chloride voltage-gated channel 7; minus strand). Cytogenetic location: 16p13.3.
Variant type: single nucleotide variant.
Coding change: c.2215G>A on transcript NM_001287.6 (MANE Select); coding-DNA position 2215, G replaced by A.
Protein change: p.Glu739Lys; replaces glutamic acid 739 with lysine.
Molecular consequence: missense variant.
Genome position (GRCh38, 1-based): chr16:1,447,427, C>T on the plus strand (G>A on the coding strand, the complement: CLCN7 is on the minus strand). VCF-style: chr16-1447427-C-T. GRCh37 (hg19) VCF-style: chr16-1497428-C-T.
Other names: c.2143G>A, p.Glu715Lys (NM_001114331.3); short protein forms E715K, E739K.
Identifiers: ClinVar variation 2627320 (VCV002627320.1), dbSNP rs757656862, ClinGen allele CA7809897.